The following is an entry in ClinVar:

NM_014915.3(ANKRD26):c.1613G>T (p.Gly538Val)

Gene: ANKRD26 (ankyrin repeat domain containing 26; minus strand). Cytogenetic location: 10p12.1.
Variant type: single nucleotide variant.
Coding change: c.1613G>T on transcript NM_014915.3 (MANE Select); coding-DNA position 1613, G replaced by T.
Protein change: p.Gly538Val; replaces glycine 538 with valine.
Molecular consequence: missense variant.
Genome position (GRCh38, 1-based): chr10:27,053,342, C>A on the plus strand (G>T on the coding strand, the complement: ANKRD26 is on the minus strand). VCF-style: chr10-27053342-C-A. GRCh37 (hg19) VCF-style: chr10-27342271-C-A.
Other names: c.1613G>T, p.Gly538Val (NM_001256053.2); short protein forms G538V.
Identifiers: ClinVar variation 3914395 (VCV003914395.1).

ClinVar aggregate classification (germline): Uncertain significance (1 of 4 stars; one submission).

Conditions:
Inborn genetic diseases. Identifiers: MedGen C0950123, MeSH D030342.

gnomAD v4.1: 1 of 1,610,284 alleles (0.000062%); highest among the groups gnomAD compares: East Asian, 0.0022%; no homozygotes.

Submission:

Ambry Genetics
Classification: Uncertain significance for Inborn genetic diseases. Last evaluated: 2025-05-11. Review status: criteria provided, single submitter. Criteria: Ambry Variant Classification Scheme 2023. Collection method: clinical testing. Allele origin: germline.
Comment: The p.G538V variant (also known as c.1613G>T), located in coding exon 16 of the ANKRD26 gene, results from a G to T substitution at nucleotide position 1613. The glycine at codon 538 is replaced by valine, an amino acid with dissimilar properties. This amino acid position is conserved. In addition, this alteration is predicted to be tolerated by in silico analysis. Based on the available evidence, the clinical significance of this variant remains unclear.